The following is an entry in ClinVar:

ClinVar aggregate classification (germline): Uncertain significance (1 of 4 stars; one submission).

gnomAD v4.1: 3 of 1,561,054 alleles (0.00019%); highest among the groups gnomAD compares: Admixed American, 0.0018%; no homozygotes.

Submission:

Ambry Genetics
Classification: Uncertain significance. Last evaluated: 2025-03-18. Review status: criteria provided, single submitter. Criteria: Ambry Variant Classification Scheme 2023. Collection method: clinical testing. Allele origin: germline.
Comment: The p.P984S variant (also known as c.2950C>T), located in coding exon 11 of the WNK2 gene, results from a C to T substitution at nucleotide position 2950. The proline at codon 984 is replaced by serine, an amino acid with similar properties. This amino acid position is conserved. In addition, this alteration is predicted to be tolerated by in silico analysis. Based on the available evidence, the clinical significance of this variant remains unclear.

NM_006648.4(WNK2):c.2950C>T (p.Pro984Ser)

Gene: WNK2 (WNK lysine deficient protein kinase 2; plus strand). Cytogenetic location: 9q22.31.
Variant type: single nucleotide variant.
Coding change: c.2950C>T on transcript NM_006648.4 (MANE Select); coding-DNA position 2950, C replaced by T.
Protein change: p.Pro984Ser; replaces proline 984 with serine.
Molecular consequence: missense variant.
Genome position (GRCh38, 1-based): chr9:93,259,498, C>T. VCF-style: chr9-93259498-C-T. GRCh37 (hg19) VCF-style: chr9-96021780-C-T.
Other names: c.2950C>T, p.Pro984Ser (NM_001282394.3); short protein forms P984S.
Identifiers: ClinVar variation 3981672 (VCV003981672.1).